The following is an entry in ClinVar:

NM_000312.4(PROC):c.95G>A (p.Arg32His)

Gene: PROC (protein C, inactivator of coagulation factors Va and VIIIa; plus strand). Cytogenetic location: 2q14.3.
Variant type: single nucleotide variant.
Coding change: c.95G>A on transcript NM_000312.4 (MANE Select); coding-DNA position 95, G replaced by A.
Protein change: p.Arg32His; replaces arginine 32 with histidine.
Molecular consequence: missense variant. On other transcripts: intron variant (1).
Genome position (GRCh38, 1-based): chr2:127,421,307, G>A. VCF-style: chr2-127421307-G-A. GRCh37 (hg19) VCF-style: chr2-128178883-G-A.
Other names: p.Arg32His; c.278G>A, p.Arg93His (NM_001375602.1); c.158G>A, p.Arg53His (NM_001375603.1, NM_001375604.1, NM_001375606.1); c.95G>A, p.Arg32His (NM_001375605.1, NM_001375608.1, NM_001375611.1 and 1 more transcripts); c.71G>A, p.Arg24His (NM_001375609.1); c.89G>A, p.Arg30His (NM_001375610.1); c.190-11G>A (NM_001375607.1); short protein forms R24H, R30H, R32H, R53H, R93H.
Identifiers: ClinVar variation 3380834 (VCV003380834.1).

ClinVar aggregate classification (germline): Uncertain significance (1 of 4 stars; one submission).

gnomAD v4.1: 13 of 1,613,666 alleles (0.00081%); highest among the groups gnomAD compares: South Asian, 0.0033%; no homozygotes.

Submission:

Mayo Clinic Laboratories, Mayo Clinic
Classification: Uncertain significance. Last evaluated: 2024-02-12. Review status: criteria provided, single submitter. Criteria: ACMG Guidelines, 2015. Collection method: clinical testing. Allele origin: germline. Observed: 1 variant allele.
Comment: PM1_supporting, PM2_moderate